The following is an entry in ClinVar:

ClinVar aggregate classification (germline): Uncertain significance (1 of 4 stars; one submission).

Conditions:
Cornelia de Lange syndrome 5 (CDLS5). Also called: HDAC8-Related Cornelia de Lange Syndrome. Identifiers: Orphanet 199, MedGen C3550903, MONDO:0010471, OMIM 300882.

Submission:

Labcorp Genetics (formerly Invitae), Labcorp
Classification: Uncertain significance for Cornelia de Lange syndrome 5. Last evaluated: 2021-05-19. Review status: criteria provided, single submitter. Criteria: Invitae Variant Classification Sherloc (09022015). Collection method: clinical testing. Allele origin: germline.
Comment: In summary, the available evidence is currently insufficient to determine the role of this variant in disease. Therefore, it has been classified as a Variant of Uncertain Significance. This sequence change falls in intron 2 of the HDAC8 gene. It does not directly change the encoded amino acid sequence of the HDAC8 protein. It affects a nucleotide within the consensus splice site of the intron. This variant is not present in population databases (ExAC no frequency). This variant has not been reported in the literature in individuals with HDAC8-related conditions. Nucleotide substitutions within the consensus splice site are a relatively common cause of aberrant splicing (PMID: 17576681, 9536098). Algorithms developed to predict the effect of sequence changes on RNA splicing suggest that this variant may disrupt the consensus splice site, but this prediction has not been confirmed by published transcriptional studies. This variant disrupts the c.164+5G nucleotide in the HDAC8 gene. Other variant(s) that disrupt this nucleotide have been determined to be pathogenic (PMID: 22889856). This suggests that this nucleotide is clinically significant, and that variants that disrupt this position are likely to be disease-causing.

Literature cited by the submitters: PubMed 17576681; PubMed 9536098; PubMed 22889856.

NM_018486.3(HDAC8):c.164+4del

Gene: HDAC8 (histone deacetylase 8; minus strand). Cytogenetic location: Xq13.1.
Variant type: Deletion.
Coding change: c.164+4del on transcript NM_018486.3 (MANE Select); 4 bases into the intron after coding-DNA position 164, one base deleted (A; older notation c.164+4delA).
Molecular consequence: intron variant.
Genome position (GRCh38, 1-based): chrX:72,572,053, T deleted on the plus strand (A on the coding strand, the reverse complement: HDAC8 is on the minus strand); the first of 2 consecutive T bases (chrX:72,572,053-72,572,054); deleting either gives the same sequence. VCF-style (leftmost placement, unchanged base first): chrX-72572052-CT-C. GRCh37 (hg19) VCF-style: chrX-71791902-CT-C.
Other names: c.164+4del (NM_001166418.2, NM_001166448.2, NM_001166419.2 and 2 more transcripts).
Identifiers: ClinVar variation 1355128 (VCV001355128.8), dbSNP rs2147614572, ClinGen allele CA2573159621.